The following is an entry in ClinVar:

NM_000256.3(MYBPC3):c.2132G>C (p.Trp711Ser)

Gene: MYBPC3 (myosin binding protein C3; minus strand). Cytogenetic location: 11p11.2.
Variant type: single nucleotide variant.
Coding change: c.2132G>C on transcript NM_000256.3 (MANE Select); coding-DNA position 2132, G replaced by C.
Protein change: p.Trp711Ser; replaces tryptophan 711 with serine.
Molecular consequence: missense variant.
Genome position (GRCh38, 1-based): chr11:47,339,340, C>G on the plus strand (G>C on the coding strand, the complement: MYBPC3 is on the minus strand). VCF-style: chr11-47339340-C-G. GRCh37 (hg19) VCF-style: chr11-47360891-C-G.
Other names: short protein forms W711S.
Identifiers: ClinVar variation 3725969 (VCV003725969.2).

ClinVar aggregate classification (germline): Uncertain significance (1 of 4 stars; one submission).

Conditions:
Hypertrophic cardiomyopathy. Also called: HYPERTROPHIC MYOCARDIOPATHY. Identifiers: Orphanet 217569, MedGen C0007194, MeSH D002312, MONDO:0005045, HP:0001639.

Submission:

Labcorp Genetics (formerly Invitae), Labcorp
Classification: Uncertain significance for Hypertrophic cardiomyopathy. Last evaluated: 2024-11-24. Review status: criteria provided, single submitter. Criteria: Invitae Variant Classification Sherloc (09022015). Collection method: clinical testing. Allele origin: germline.
Comment: This sequence change replaces tryptophan, which is neutral and slightly polar, with serine, which is neutral and polar, at codon 711 of the MYBPC3 protein (p.Trp711Ser). This variant is not present in population databases (gnomAD no frequency). This variant has not been reported in the literature in individuals affected with MYBPC3-related conditions. An algorithm developed to predict the effect of missense changes on protein structure and function (PolyPhen-2) suggests that this variant is likely to be tolerated. In summary, the available evidence is currently insufficient to determine the role of this variant in disease. Therefore, it has been classified as a Variant of Uncertain Significance.